The following is an entry in ClinVar:

ClinVar aggregate classification (germline): Uncertain significance. Review status: criteria provided, multiple submitters, no conflicts (2 of 4 stars). 2 submissions from 2 submitters: Uncertain significance (2). Last evaluated 2025-04-20.

Conditions:
BAP1-related tumor predisposition syndrome (TPDS1). Also called: BAP1 tumor predisposition syndrome; COMMON Syndrome; TUMOR PREDISPOSITION SYNDROME 1; Tumor susceptibility linked to germline BAP1 mutations. Identifiers: Orphanet 289539, MedGen C3280492, MONDO:0013692, OMIM 614327.

Submissions (2):

Labcorp Genetics (formerly Invitae), Labcorp
Classification: Uncertain significance for BAP1-related tumor predisposition syndrome. Last evaluated: 2025-04-20. Review status: criteria provided, single submitter. Criteria: Invitae Variant Classification Sherloc (09022015). Collection method: clinical testing. Allele origin: germline.
Comment: This sequence change replaces glutamic acid, which is acidic and polar, with lysine, which is basic and polar, at codon 577 of the BAP1 protein (p.Glu577Lys). This variant also falls at the last nucleotide of exon 13, which is part of the consensus splice site for this exon. This variant is not present in population databases (gnomAD no frequency). This variant has not been reported in the literature in individuals affected with BAP1-related conditions. ClinVar contains an entry for this variant (Variation ID: 852525). An algorithm developed to predict the effect of missense changes on protein structure and function (PolyPhen-2) suggests that this variant is likely to be tolerated. Variants that disrupt the consensus splice site are a relatively common cause of aberrant splicing (PMID: 17576681, 9536098). Algorithms developed to predict the effect of sequence changes on RNA splicing suggest that this variant may disrupt the consensus splice site. In summary, the available evidence is currently insufficient to determine the role of this variant in disease. Therefore, it has been classified as a Variant of Uncertain Significance.

Center for Genomic Medicine, Rigshospitalet, Copenhagen University Hospital
Classification: Uncertain significance. Last evaluated: 2025-03-04. Review status: criteria provided, single submitter. Criteria: ACMG Guidelines, 2015. Collection method: clinical testing. Allele origin: germline.

Literature cited by the submitters: PubMed 17576681 (cited by Labcorp Genetics (formerly Invitae), Labcorp); PubMed 9536098 (cited by Labcorp Genetics (formerly Invitae), Labcorp).

NM_004656.4(BAP1):c.1729G>A (p.Glu577Lys)

Gene: BAP1 (BRCA1 associated deubiquitinase 1; minus strand). Cytogenetic location: 3p21.1.
Variant type: single nucleotide variant.
Coding change: c.1729G>A on transcript NM_004656.4 (MANE Select); coding-DNA position 1729, G replaced by A.
Protein change: p.Glu577Lys; replaces glutamic acid 577 with lysine.
Molecular consequence: missense variant.
Genome position (GRCh38, 1-based): chr3:52,403,416, C>T on the plus strand (G>A on the coding strand, the complement: BAP1 is on the minus strand). VCF-style: chr3-52403416-C-T. GRCh37 (hg19) VCF-style: chr3-52437432-C-T.
Other names: short protein forms E577K.
Identifiers: ClinVar variation 852525 (VCV000852525.13), dbSNP rs1705034786, ClinGen allele CA353099504.